The following is an entry in ClinVar:

NM_000038.6(APC):c.5545A>G (p.Ile1849Val)

Gene: APC (APC regulator of Wnt signaling pathway; plus strand). Cytogenetic location: 5q22.2.
Variant type: single nucleotide variant.
Coding change: c.5545A>G on transcript NM_000038.6 (MANE Select); coding-DNA position 5545, A replaced by G.
Protein change: p.Ile1849Val; replaces isoleucine 1849 with valine.
Molecular consequence: missense variant.
Genome position (GRCh38, 1-based): chr5:112,841,139, A>G. VCF-style: chr5-112841139-A-G. GRCh37 (hg19) VCF-style: chr5-112176836-A-G.
Other names: c.5545A>G, p.Ile1849Val (NM_001127510.3, NM_001354895.2); c.5491A>G, p.Ile1831Val (NM_001127511.3); c.5599A>G, p.Ile1867Val (NM_001354896.2); c.5575A>G, p.Ile1859Val (NM_001354897.2); c.5470A>G, p.Ile1824Val (NM_001354898.2); c.5461A>G, p.Ile1821Val (NM_001354899.2); c.5422A>G, p.Ile1808Val (NM_001354900.2); c.5368A>G, p.Ile1790Val (NM_001354901.2); and 5 more; short protein forms I1566V, I1723V, I1758V, I1808V, I1689V, I1748V, I1849V, I1867V.
Identifiers: ClinVar variation 643093 (VCV000643093.16), dbSNP rs1580661279, ClinGen allele CA16033462.

ClinVar aggregate classification (germline): Uncertain significance. Review status: criteria provided, multiple submitters, no conflicts (2 of 4 stars). 3 submissions from 3 submitters: Uncertain significance (3). Last evaluated 2026-08-05.

Conditions:
Familial adenomatous polyposis 1 (FAP1). Also called: POLYPOSIS, ADENOMATOUS INTESTINAL; FAMILIAL ADENOMATOUS POLYPOSIS 1, ATTENUATED. Identifiers: MedGen C2713442, MONDO:0021056, OMIM 175100. Disease mechanism: loss of function.
Hereditary cancer-predisposing syndrome. Also called: Neoplastic Syndromes, Hereditary; Hereditary Cancer Syndrome; Hereditary neoplastic syndrome; Tumor predisposition. Identifiers: Orphanet 140162, MedGen C0027672, MeSH D009386, MONDO:0015356.

Allele frequency attached by ClinVar (database versions not stated): gnomAD exomes below 0.00001.
gnomAD v4.1: 1 of 1,613,184 alleles (0.000062%); highest among the groups gnomAD compares: Non-Finnish European, 0.000085%; no homozygotes.

Submissions (3):

Ambry Genetics
Classification: Uncertain significance for Hereditary cancer-predisposing syndrome. Last evaluated: 2026-08-05. Review status: criteria provided, single submitter. Criteria: Ambry Variant Classification Scheme 2023. Collection method: clinical testing. Allele origin: germline.

Labcorp Genetics (formerly Invitae), Labcorp
Classification: Uncertain significance for Familial adenomatous polyposis 1. Last evaluated: 2025-04-28. Review status: criteria provided, single submitter. Criteria: Invitae Variant Classification Sherloc (09022015). Collection method: clinical testing. Allele origin: germline.
Comment: This sequence change replaces isoleucine, which is neutral and non-polar, with valine, which is neutral and non-polar, at codon 1849 of the APC protein (p.Ile1849Val). This variant is not present in population databases (gnomAD no frequency). This variant has not been reported in the literature in individuals affected with APC-related conditions. ClinVar contains an entry for this variant (Variation ID: 643093). Invitae Evidence Modeling of protein sequence and biophysical properties (such as structural, functional, and spatial information, amino acid conservation, physicochemical variation, residue mobility, and thermodynamic stability) indicates that this missense variant is not expected to disrupt APC protein function with a negative predictive value of 95%. In summary, the available evidence is currently insufficient to determine the role of this variant in disease. Therefore, it has been classified as a Variant of Uncertain Significance.

Color Diagnostics, LLC DBA Color Health
Classification: Uncertain significance for Hereditary cancer-predisposing syndrome. Last evaluated: 2025-04-19. Review status: criteria provided, single submitter. Criteria: ACMG Guidelines, 2015. Collection method: clinical testing. Allele origin: germline.
Comment: This missense variant replaces isoleucine with valine at codon 1849 of the APC protein. Computational prediction suggests that this variant may not impact protein structure and function. To our knowledge, functional studies have not been reported for this variant. This variant has not been reported in individuals affected with APC-related disorders in the literature. This variant has not been identified in the general population by the Genome Aggregation Database (gnomAD). The available evidence is insufficient to determine the role of this variant in disease conclusively. Therefore, this variant is classified as a Variant of Uncertain Significance.